The following is an entry in ClinVar:

ClinVar aggregate classification (germline): Uncertain significance. Review status: criteria provided, multiple submitters, no conflicts (2 of 4 stars). 2 submissions from 2 submitters: Uncertain significance (2). Last evaluated 2026-01-30.

Conditions:
Inborn genetic diseases. Identifiers: MedGen C0950123, MeSH D030342.
MYO5B-related disorder. Also called: MYO5B-related condition.

gnomAD v4.1: 41 of 1,613,756 alleles (0.0025%); highest among the groups gnomAD compares: East Asian, 0.027%; no homozygotes.

Submissions (2):

PreventionGenetics, part of Exact Sciences
Classification: Uncertain significance for MYO5B-related condition. Last evaluated: 2026-01-30. Review status: criteria provided, single submitter. Criteria: ACMG Guidelines, 2015. Collection method: clinical testing. Allele origin: germline.
Comment: The MYO5B c.2209G>A variant is predicted to result in the amino acid substitution p.Asp737Asn. To our knowledge, this variant has not been reported in the literature. This variant is reported in 0.016% of alleles in individuals of European (Finnish) descent in gnomAD. At this time, the clinical significance of this variant is uncertain due to the absence of conclusive functional and genetic evidence.

Ambry Genetics
Classification: Uncertain significance for Inborn genetic diseases. Last evaluated: 2025-05-28. Review status: criteria provided, single submitter. Criteria: Ambry Variant Classification Scheme 2023. Collection method: clinical testing. Allele origin: germline.

NM_001080467.3(MYO5B):c.2209G>A (p.Asp737Asn)

Gene: MYO5B (myosin VB; minus strand). Cytogenetic location: 18q21.1.
Variant type: single nucleotide variant.
Coding change: c.2209G>A on transcript NM_001080467.3 (MANE Select); coding-DNA position 2209, G replaced by A.
Protein change: p.Asp737Asn; replaces aspartic acid 737 with asparagine.
Molecular consequence: missense variant.
Genome position (GRCh38, 1-based): chr18:49,906,624, C>T on the plus strand (G>A on the coding strand, the complement: MYO5B is on the minus strand). VCF-style: chr18-49906624-C-T. GRCh37 (hg19) VCF-style: chr18-47432994-C-T.
Other names: short protein forms D737N.
Identifiers: ClinVar variation 3916291 (VCV003916291.2).